The following is an entry in ClinVar:

NM_001348716.2(KDM6B):c.236+1G>A

Gene: KDM6B (lysine demethylase 6B; plus strand). Cytogenetic location: 17p13.1.
Variant type: single nucleotide variant.
Coding change: c.236+1G>A on transcript NM_001348716.2 (MANE Select); the canonical splice donor site of the intron after coding-DNA position 236, G replaced by A.
Molecular consequence: splice donor variant.
Genome position (GRCh38, 1-based): chr17:7,845,971, G>A. VCF-style: chr17-7845971-G-A. GRCh37 (hg19) VCF-style: chr17-7749289-G-A.
Other names: c.236+1G>A (NM_001080424.2).
Identifiers: ClinVar variation 1320229 (VCV001320229.1), dbSNP rs2151375529, ClinGen allele CA397910702.

ClinVar aggregate classification (germline): Likely pathogenic (1 of 4 stars; one submission).

Conditions:
Neurodevelopmental disorder with coarse facies and mild distal skeletal abnormalities. Also called: STOLERMAN NEURODEVELOPMENTAL SYNDROME. Identifiers: MedGen C5193134, MONDO:0032790, OMIM 618505.

Submission:

3billion
Classification: Likely pathogenic for Neurodevelopmental disorder with coarse facies and mild distal skeletal abnormalities. Last evaluated: 2021-10-02. Review status: criteria provided, single submitter. Criteria: ACMG Guidelines, 2015. Collection method: clinical testing. Allele origin: unknown. Affected: yes. Observed: 1 heterozygote.
Comment: Canonical splice site: predicted to alter splicing and result in a loss or disruption of normal protein function through nonsense-mediated decay (NMD) or protein truncation. Multiple pathogenic variants are reported downstream of the variant (PVS1_VS). It is not observed in the gnomAD v2.1.1 dataset (PM2). Therefore, this variant is classified as likely pathogenic according to the recommendation of ACMG/AMP guideline.